The following is an entry in ClinVar:

NM_000093.5(COL5A1):c.2818G>A (p.Gly940Ser)

Gene: COL5A1 (collagen type V alpha 1 chain; plus strand). Cytogenetic location: 9q34.3.
Variant type: single nucleotide variant.
Coding change: c.2818G>A on transcript NM_000093.5 (MANE Select); coding-DNA position 2818, G replaced by A.
Protein change: p.Gly940Ser; replaces glycine 940 with serine.
Molecular consequence: missense variant.
Genome position (GRCh38, 1-based): chr9:134,796,392, G>A. VCF-style: chr9-134796392-G-A. GRCh37 (hg19) VCF-style: chr9-137688238-G-A.
Other names: c.2818G>A, p.Gly940Ser (NM_001278074.1); short protein forms G940S.
Identifiers: ClinVar variation 430270 (VCV000430270.20), dbSNP rs1131691874, ClinGen allele CA375456946.

ClinVar aggregate classification (germline): Conflicting classifications of pathogenicity. Review status: criteria provided, conflicting classifications (1 of 4 stars). 5 submissions from 5 submitters: Likely pathogenic (2); Uncertain significance (3). Last evaluated 2026-01-15.

Conditions:
COL5A1-related disorders.
Ehlers-Danlos syndrome, classic type, 1 (EDSCL1). Also called: Ehlers-Danlos syndrome, type 1; EHLERS-DANLOS SYNDROME, GRAVIS TYPE; EHLERS-DANLOS SYNDROME, SEVERE CLASSIC TYPE; EDS I; Ehlers-Danlos Syndrome, Classic Type, COL5A1-Related. Identifiers: MedGen C0268335, MONDO:0019567, OMIM 130000.

Allele frequency attached by ClinVar (database versions not stated): gnomAD exomes below 0.00001 and 0.00002; gnomAD 0.00001.
gnomAD v4.1: 35 of 1,614,036 alleles (0.0022%); highest among the groups gnomAD compares: Non-Finnish European, 0.0028%; no homozygotes.

Submissions (5):

Women's Health and Genetics/Laboratory Corporation of America, LabCorp
Classification: Uncertain significance. Last evaluated: 2026-01-15. Review status: criteria provided, single submitter. Criteria: LabCorp Variant Classification Summary - May 2015. Collection method: clinical testing. Allele origin: germline.
Comment: Variant summary: COL5A1 c.2818G>A (p.Gly940Ser) results in a non-conservative amino acid change in the encoded protein sequence. This variant disrupts the triple helix domain of COL5A1. Glycine residues within the Gly-X-Y repeats of the triple helix domain are required for the structure and stability of fibrillar collagens (PMID: 7695699, 8218237, 19344236). Algorithms developed to predict the effect of missense changes on protein structure and function all suggest that this variant is likely to be disruptive. The variant allele was found at a frequency of 4e-06 in 251410 control chromosomes. These data do not allow any conclusion about variant significance. To our knowledge, no experimental evidence demonstrating an impact on protein function has been reported. ClinVar contains an entry for this variant (Variation ID: 430270). Based on the evidence outlined above, the variant was classified as VUS-possibly pathogenic.

Labcorp Genetics (formerly Invitae), Labcorp
Classification: Uncertain significance for Ehlers-Danlos syndrome, classic type, 1. Last evaluated: 2025-10-03. Review status: criteria provided, single submitter. Criteria: Invitae Variant Classification Sherloc (09022015). Collection method: clinical testing. Allele origin: germline.
Comment: This sequence change replaces glycine, which is neutral and non-polar, with serine, which is neutral and polar, at codon 940 of the COL5A1 protein (p.Gly940Ser). This variant is present in population databases (no rsID available, gnomAD 0.003%). This missense change has been observed in individual(s) with clinical features of Ehlers-Danlos syndrome (internal data). ClinVar contains an entry for this variant (Variation ID: 430270). Invitae Evidence Modeling of protein sequence and biophysical properties (such as structural, functional, and spatial information, amino acid conservation, physicochemical variation, residue mobility, and thermodynamic stability) indicates that this missense variant is expected to disrupt COL5A1 protein function with a positive predictive value of 95%. This variant disrupts the triple helix domain of COL5A1. Glycine residues within the Gly-Xaa-Yaa repeats of the triple helix domain are required for the structure and stability of fibrillar collagens (PMID: 7695699, 8218237, 19344236), and variants at these glycine residues in COL5A1 are more frequently observed in individuals with disease than in the general population (PMID: 22696272, 23587214). However, the clinical significance of this observation remains uncertain since only a limited number of affected individuals have been described to date. In summary, the available evidence is currently insufficient to determine the role of this variant in disease. Therefore, it has been classified as a Variant of Uncertain Significance.

GeneDx
Classification: Likely pathogenic. Last evaluated: 2025-02-09. Review status: criteria provided, single submitter. Criteria: GeneDx Variant Classification Process June 2021. Collection method: clinical testing. Allele origin: germline. Affected: yes.
Comment: Not observed at significant frequency in large population cohorts (gnomAD); In silico analysis supports that this missense variant has a deleterious effect on protein structure/function; Has not been previously published as pathogenic or benign to our knowledge; This variant is associated with the following publications: (PMID: 22696272)

AiLife Diagnostics
Classification: Uncertain significance. Last evaluated: 2021-11-02. Review status: criteria provided, single submitter. Criteria: ACMG Guidelines, 2015. Collection method: clinical testing. Allele origin: germline. Affected: yes. Observed: 2 variant alleles.

Blueprint Genetics
Classification: Likely pathogenic for COL5A1-related disorders. Last evaluated: 2019-11-19. Review status: criteria provided, single submitter. Criteria: ACMG Guidelines, 2015. Collection method: clinical testing. Allele origin: germline. Affected: yes. Observed: 2 variant alleles.

Literature cited by the submitters: PubMed 7695699 (cited by Labcorp Genetics (formerly Invitae), Labcorp); PubMed 8218237 (cited by Labcorp Genetics (formerly Invitae), Labcorp); PubMed 19344236 (cited by Labcorp Genetics (formerly Invitae), Labcorp); PubMed 22696272 (cited by Labcorp Genetics (formerly Invitae), Labcorp); PubMed 23587214 (cited by Labcorp Genetics (formerly Invitae), Labcorp).